The following is an entry in ClinVar:

ClinVar aggregate classification (germline): Pathogenic. Review status: criteria provided, multiple submitters, no conflicts (2 of 4 stars). 2 submissions from 2 submitters: Pathogenic (2). Last evaluated 2022-02-17.

Conditions:
Osteogenesis imperfecta type 6. Also called: Osteogenesis imperfecta, type VI. Identifiers: Orphanet 666, MedGen C3279564, MONDO:0013515, OMIM 613982.

Allele frequency attached by ClinVar (database versions not stated): gnomAD exomes below 0.00001.

Submissions (2):

Labcorp Genetics (formerly Invitae), Labcorp
Classification: Pathogenic. Last evaluated: 2022-02-17. Review status: criteria provided, single submitter. Criteria: Invitae Variant Classification Sherloc (09022015). Collection method: clinical testing. Allele origin: germline.
Comment: This variant is not present in population databases (gnomAD no frequency). This sequence change creates a premature translational stop signal (p.Arg167Serfs*35) in the SERPINF1 gene. It is expected to result in an absent or disrupted protein product. Loss-of-function variants in SERPINF1 are known to be pathogenic (PMID: 21353196, 21826736). This premature translational stop signal has been observed in individual(s) with osteogenesis imperfecta (PMID: 27796462). For these reasons, this variant has been classified as Pathogenic. Algorithms developed to predict the effect of sequence changes on RNA splicing suggest that this variant is not likely to affect RNA splicing.

Juno Genomics, Hangzhou Juno Genomics, Inc
Classification: Pathogenic for Osteogenesis imperfecta type 6. Review status: criteria provided, single submitter. Criteria: ACMG Guidelines, 2015. Collection method: clinical testing. Allele origin: germline.
Comment: Absent from controls (or at extremely low frequency if recessive) in Genome Aggregation Database.;Null variant in a gene where loss of function (LOF) is a known mechanism of disease.;For recessive disorders, detected in trans with a pathogenic variant.;Patient's phenotype or family history is highly specific for a disease with a single genetic etiology.

Literature cited by the submitters: PubMed 21353196 (cited by Labcorp Genetics (formerly Invitae), Labcorp); PubMed 21826736 (cited by Labcorp Genetics (formerly Invitae), Labcorp); PubMed 27796462 (cited by Labcorp Genetics (formerly Invitae), Labcorp).

NM_002615.7(SERPINF1):c.498_499del (p.Arg167fs)

Gene: SERPINF1 (serpin family F member 1; plus strand). Cytogenetic location: 17p13.3.
Variant type: Deletion.
Coding change: c.498_499del on transcript NM_002615.7 (MANE Select); coding-DNA positions 498 to 499, 2 bases deleted (CA; older notation c.498_499delCA).
Protein change: p.Arg167fs; shifts the reading frame from arginine 167.
Molecular consequence: frameshift variant. On other transcripts: 5 prime UTR variant (2).
Genome position (GRCh38, 1-based): chr17:1,771,930-1,771,931, CA deleted. VCF-style (leftmost placement, unchanged base first): chr17-1771929-CCA-C. GRCh37 (hg19) VCF-style: chr17-1675223-CCA-C.
Other names: c.498_499del, p.Arg167fs (NM_001329903.2); c.-64_-63del (NM_001329904.2, NM_001329905.2); short protein forms R167fs.
Identifiers: ClinVar variation 2137872 (VCV002137872.6), dbSNP rs2543482640, ClinGen allele CA2576114638.